The following is an entry in ClinVar:

ClinVar aggregate classification (germline): Pathogenic (1 of 4 stars; one submission).

Submission:

Labcorp Genetics (formerly Invitae), Labcorp
Classification: Pathogenic. Last evaluated: 2023-07-12. Review status: criteria provided, single submitter. Criteria: Invitae Variant Classification Sherloc (09022015). Collection method: clinical testing. Allele origin: germline.
Comment: For these reasons, this variant has been classified as Pathogenic. This variant has not been reported in the literature in individuals affected with COL4A5-related conditions. This sequence change creates a premature translational stop signal (p.Pro197Glnfs*6) in the COL4A5 gene. It is expected to result in an absent or disrupted protein product. Loss-of-function variants in COL4A5 are known to be pathogenic (PMID: 9195222, 10752524, 14514738, 24854265, 26809805). This variant is not present in population databases (gnomAD no frequency).

Literature cited by the submitters: PubMed 9195222; PubMed 10752524; PubMed 14514738; PubMed 24854265; PubMed 26809805.

NM_033380.3(COL4A5):c.585del (p.Pro197fs)

Gene: COL4A5 (collagen type IV alpha 5 chain; plus strand). Cytogenetic location: Xq22.3.
Variant type: Deletion.
Coding change: c.585del on transcript NM_033380.3 (MANE Select); coding-DNA position 585, one base deleted (T; older notation c.585delT).
Protein change: p.Pro197fs; shifts the reading frame from proline 197.
Molecular consequence: frameshift variant.
Genome position (GRCh38, 1-based): chrX:108,575,948, T deleted. VCF-style (leftmost placement, unchanged base first): chrX-108575947-GT-G. GRCh37 (hg19) VCF-style: chrX-107819177-GT-G.
Other names: c.585del, p.Pro197fs (NM_000495.5); short protein forms P197fs.
Identifiers: ClinVar variation 2742758 (VCV002742758.3), dbSNP rs2524225532, ClinGen allele CA2694411592.